The following is an entry in ClinVar:

NM_000080.4(CHRNE):c.382G>A (p.Val128Met)

Genes: C17orf107 (chromosome 17 open reading frame 107; plus strand), CHRNE (cholinergic receptor nicotinic epsilon subunit; minus strand). Cytogenetic location: 17p13.2.
Variant type: single nucleotide variant.
Coding change: c.382G>A on transcript NM_000080.4 (MANE Select); coding-DNA position 382, G replaced by A.
Protein change: p.Val128Met; replaces valine 128 with methionine.
Molecular consequence: missense variant. On other transcripts: 3 prime UTR variant (1).
Genome position (GRCh38, 1-based): chr17:4,902,050, C>T on the plus strand (G>A on the coding strand, the complement: CHRNE is on the minus strand). VCF-style: chr17-4902050-C-T. GRCh37 (hg19) VCF-style: chr17-4805345-C-T.
Other names: c.*1517C>T (NM_001145536.2); short protein forms V128M.
Identifiers: ClinVar variation 421725 (VCV000421725.4), dbSNP rs958078989, ClinGen allele CA16620465.

ClinVar aggregate classification (germline): Uncertain significance. Review status: criteria provided, multiple submitters, no conflicts (2 of 4 stars). 3 submissions from 3 submitters: Uncertain significance (2). 1 of the submissions does not count toward it. Last evaluated 2025-04-03.

Conditions:
Congenital myasthenic syndrome (CMS). Also called: Congenital Myasthenic Syndromes. Identifiers: Orphanet 590, MedGen C0751882, MeSH D020294, MONDO:0018940.
Congenital myasthenic syndrome 4A. Also called: Myasthenic syndrome, congenital, 4a, slow-channel; MYASTHENIC SYNDROME, CONGENITAL, 4A, SLOW-CHANNEL, AUTOSOMAL RECESSIVE; CONGENITAL MYASTHENIC SYNDROME TYPE Ia1. Identifiers: Orphanet 590, MedGen C4225413, MONDO:0011600, OMIM 605809.

Allele frequency attached by ClinVar (database versions not stated): TOPMed below 0.00001.
gnomAD v4.1: 1 of 1,614,108 alleles (0.000062%); no homozygotes.

Submissions (3):

Labcorp Genetics (formerly Invitae), Labcorp
Classification: Uncertain significance for Congenital myasthenic syndrome 4A. Last evaluated: 2025-04-03. Review status: criteria provided, single submitter. Criteria: Invitae Variant Classification Sherloc (09022015). Collection method: clinical testing. Allele origin: germline.
Comment: This sequence change replaces valine, which is neutral and non-polar, with methionine, which is neutral and non-polar, at codon 128 of the CHRNE protein (p.Val128Met). This variant is not present in population databases (gnomAD no frequency). This variant has not been reported in the literature in individuals affected with CHRNE-related conditions. ClinVar contains an entry for this variant (Variation ID: 421725). Invitae Evidence Modeling of protein sequence and biophysical properties (such as structural, functional, and spatial information, amino acid conservation, physicochemical variation, residue mobility, and thermodynamic stability) has been performed for this missense variant. However, the output from this modeling did not meet the statistical confidence thresholds required to predict the impact of this variant on CHRNE protein function. In summary, the available evidence is currently insufficient to determine the role of this variant in disease. Therefore, it has been classified as a Variant of Uncertain Significance.

GeneDx
Classification: Uncertain significance. Last evaluated: 2016-07-20. Review status: criteria provided, single submitter. Criteria: GeneDx Variant Classification (06012015). Collection method: clinical testing. Allele origin: germline. Affected: yes.
Comment: The V128M variant in the CHRNE gene has not been reported previously as a pathogenic variant, nor as a benign variant, to our knowledge. The V128M variant was not observed in approximately 6500 individuals of European and African American ancestry in the NHLBI Exome Sequencing Project, indicating it is not a common benign variant in these populations. The V128M variant is a conservative amino acid substitution, which is not likely to impact secondary protein structure as these residues share similar properties; however, this substitution occurs at a position that is conserved across species. In silico analysis is inconsistent in its predictions as to whether or not the variant is damaging to the protein structure/function. We interpret V128M as a variant of uncertain significance.

Natera, Inc.
Classification: Uncertain significance for Congenital myasthenic syndrome. Last evaluated: 2021-04-21. Review status: no assertion criteria provided. Collection method: clinical testing. Allele origin: germline. Not counted in ClinVar's aggregate classification.